The following is an entry in ClinVar:

NM_001805.4(CEBPE):c.26G>A (p.Cys9Tyr)

Gene: CEBPE (CCAAT enhancer binding protein epsilon; minus strand). Cytogenetic location: 14q11.2.
Variant type: single nucleotide variant.
Coding change: c.26G>A on transcript NM_001805.4 (MANE Select); coding-DNA position 26, G replaced by A.
Protein change: p.Cys9Tyr; replaces cysteine 9 with tyrosine.
Molecular consequence: missense variant.
Genome position (GRCh38, 1-based): chr14:23,119,066, C>T on the plus strand (G>A on the coding strand, the complement: CEBPE is on the minus strand). VCF-style: chr14-23119066-C-T. GRCh37 (hg19) VCF-style: chr14-23588275-C-T.
Other names: short protein forms C9Y.
Identifiers: ClinVar variation 4712672 (VCV004712672.1).

ClinVar aggregate classification (germline): Uncertain significance (1 of 4 stars; one submission).

Conditions:
Specific granule deficiency. Identifiers: Orphanet 169142, MedGen C0398593, MONDO:0009506.

Submission:

Labcorp Genetics (formerly Invitae), Labcorp
Classification: Uncertain significance for Specific granule deficiency. Last evaluated: 2025-02-09. Review status: criteria provided, single submitter. Criteria: Invitae Variant Classification Sherloc (09022015). Collection method: clinical testing. Allele origin: germline.
Comment: This sequence change replaces cysteine, which is neutral and slightly polar, with tyrosine, which is neutral and polar, at codon 9 of the CEBPE protein (p.Cys9Tyr). This variant is not present in population databases (gnomAD no frequency). This variant has not been reported in the literature in individuals affected with CEBPE-related conditions. An algorithm developed to predict the effect of missense changes on protein structure and function (PolyPhen-2) suggests that this variant is likely to be disruptive. In summary, the available evidence is currently insufficient to determine the role of this variant in disease. Therefore, it has been classified as a Variant of Uncertain Significance.